The following is an entry in ClinVar:

NM_001009944.3(PKD1):c.773C>T (p.Thr258Ile)

Gene: PKD1 (polycystin 1, transient receptor potential channel interacting; minus strand). Cytogenetic location: 16p13.3.
Variant type: single nucleotide variant.
Coding change: c.773C>T on transcript NM_001009944.3 (MANE Select); coding-DNA position 773, C replaced by T.
Protein change: p.Thr258Ile; replaces threonine 258 with isoleucine.
Molecular consequence: missense variant.
Genome position (GRCh38, 1-based): chr16:2,118,219, G>A on the plus strand (C>T on the coding strand, the complement: PKD1 is on the minus strand). VCF-style: chr16-2118219-G-A. GRCh37 (hg19) VCF-style: chr16-2168220-G-A.
Other names: c.773C>T, p.Thr258Ile (NM_000296.4); c.773C>T (NM_000296.3); short protein forms T258I.
Identifiers: ClinVar variation 433943 (VCV000433943.4), dbSNP rs754889452, ClinGen allele CA7833667.

ClinVar aggregate classification (germline): Uncertain significance. Review status: criteria provided, single submitter (1 of 4 stars). 2 submissions from 2 submitters: Uncertain significance (1). 1 of the submissions does not count toward it. Last evaluated 2024-09-30.

Conditions:
Inborn genetic diseases. Identifiers: MedGen C0950123, MeSH D030342.
Polycystic kidney disease. Also called: Kidney, Polycystic; Polycystic kidney dysplasia. Identifiers: MedGen C0022680, MeSH D007690, MONDO:0020642, HP:0000113.

Allele frequency attached by ClinVar (database versions not stated): gnomAD exomes 0.00001 and 0.00003; TOPMed 0.00001; gnomAD 0.00002 and 0.00003; ExAC 0.00007.
gnomAD v4.1: 18 of 1,534,208 alleles (0.0012%); highest among the groups gnomAD compares: Non-Finnish European, 0.0014%; no homozygotes.

Submissions (2):

Ambry Genetics
Classification: Uncertain significance for Inborn genetic diseases. Last evaluated: 2024-09-30. Review status: criteria provided, single submitter. Criteria: Ambry Variant Classification Scheme 2023. Collection method: clinical testing. Allele origin: germline.

Department of Pathology and Laboratory Medicine, Sinai Health System
Classification: Uncertain significance for Polycystic Kidney disease. Review status: no assertion criteria provided. Collection method: clinical testing. Allele origin: unknown. Affected: yes. Study: The Canadian Open Genetics Repository (COGR). Not counted in ClinVar's aggregate classification.
Comment: The PKD1 p.Thr258Ile variant was not identified in the literature. The variant was identified in dbSNP (ID: rs754889452) as â€šÃ„ÃºNAâ€šÃ„Ã¹, but was not identified in any of the following databases Clinvitae, ClinVar, GeneInsight COGR, MutDB, ADPKD Mutation Database, PKD1-LOVD, and PKD1-LOVD 3.0. The variant was also identified in control databases in 4 of 133486 chromosomes at a frequency of 0.00003 in the following populations: European (Non-Finnish) in 3 of 51500 chromosomes (freq. 0.000058), and European (Finnish) in 1 of 7070 chromosomes (freq. 0.0001), increasing the likelihood that this may be a low frequency benign variant in certain populations of origin (Genome Aggregation Consortium Feb 27, 2017). In addition we cannot be certain that data from control databases is specific to PKD1 and not from one of the six PKD1 pseudogenes. Also, the variant has failed to segregate with disease in one family in our laboratory, increasing the increasing the likelihood that the p.Thr258Ile variant does not have clinical significance. The p.Thr258 residue is not conserved and computational analyses (PolyPhen-2, SIFT, AlignGVGD, BLOSUM, MutationTaster) provide inconsistent predictions regarding the impact to the protein and this information is not very predictive of pathogenicity. The variant occurs outside of the splicing consensus sequence and in silico or computational prediction software programs (SpliceSiteFinder, MaxEntScan, NNSPLICE, GeneSplicer, HumanSpliceFinder) do not predict a difference in splicing. In summary, based on the above information, the clinical significance of this variant cannot be determined with certainty at this time. This variant is classified as a variant of uncertain significance.